The following is an entry in ClinVar:

ClinVar aggregate classification (germline): Uncertain significance. Review status: criteria provided, multiple submitters, no conflicts (2 of 4 stars). 2 submissions from 2 submitters: Uncertain significance (2). Last evaluated 2025-07-25.

Conditions:
Oligodontia-cancer predisposition syndrome. Also called: TOOTH AGENESIS-COLORECTAL CANCER SYNDROME. Identifiers: Orphanet 300576, MedGen C1837750, MONDO:0012075, OMIM 608615. Disease mechanism: loss of function.
Hereditary cancer-predisposing syndrome. Also called: Hereditary neoplastic syndrome; Neoplastic Syndromes, Hereditary; Tumor predisposition; Hereditary Cancer Syndrome. Identifiers: Orphanet 140162, MedGen C0027672, MeSH D009386, MONDO:0015356.

Allele frequency attached by ClinVar (database versions not stated): gnomAD exomes below 0.00001; gnomAD 0.00001; TOPMed 0.00001; ExAC 0.00002; ESP Exome Variant Server 0.00008.

Submissions (2):

Ambry Genetics
Classification: Uncertain significance for Hereditary cancer-predisposing syndrome. Last evaluated: 2025-07-25. Review status: criteria provided, single submitter. Criteria: Ambry Variant Classification Scheme 2023. Collection method: clinical testing. Allele origin: germline.
Comment: The p.E548K variant (also known as c.1642G>A), located in coding exon 5 of the AXIN2 gene, results from a G to A substitution at nucleotide position 1642. The glutamic acid at codon 548 is replaced by lysine, an amino acid with similar properties. This amino acid position is conserved. In addition, this alteration is predicted to be tolerated by in silico analysis. Since supporting evidence is limited at this time, the clinical significance of this alteration remains unclear.

Labcorp Genetics (formerly Invitae), Labcorp
Classification: Uncertain significance for Oligodontia-cancer predisposition syndrome. Last evaluated: 2024-09-10. Review status: criteria provided, single submitter. Criteria: Invitae Variant Classification Sherloc (09022015). Collection method: clinical testing. Allele origin: germline.
Comment: This sequence change replaces glutamic acid, which is acidic and polar, with lysine, which is basic and polar, at codon 548 of the AXIN2 protein (p.Glu548Lys). This variant is present in population databases (rs367624903, gnomAD 0.008%). This variant has not been reported in the literature in individuals affected with AXIN2-related conditions. ClinVar contains an entry for this variant (Variation ID: 533226). Invitae Evidence Modeling of protein sequence and biophysical properties (such as structural, functional, and spatial information, amino acid conservation, physicochemical variation, residue mobility, and thermodynamic stability) indicates that this missense variant is not expected to disrupt AXIN2 protein function with a negative predictive value of 80%. In summary, the available evidence is currently insufficient to determine the role of this variant in disease. Therefore, it has been classified as a Variant of Uncertain Significance.

NM_004655.4(AXIN2):c.1642G>A (p.Glu548Lys)

Gene: AXIN2 (axin 2; minus strand). Cytogenetic location: 17q24.1.
Variant type: single nucleotide variant.
Coding change: c.1642G>A on transcript NM_004655.4 (MANE Select); coding-DNA position 1642, G replaced by A.
Protein change: p.Glu548Lys; replaces glutamic acid 548 with lysine.
Molecular consequence: missense variant.
Genome position (GRCh38, 1-based): chr17:65,537,394, C>T on the plus strand (G>A on the coding strand, the complement: AXIN2 is on the minus strand). VCF-style: chr17-65537394-C-T. GRCh37 (hg19) VCF-style: chr17-63533512-C-T.
Other names: c.1642G>A, p.Glu548Lys (NM_001363813.1); c.1642G>A (LRG_296t1); short protein forms E548K.
Identifiers: ClinVar variation 533226 (VCV000533226.14), dbSNP rs367624903, ClinGen allele CA8718585.